The following is an entry in ClinVar:

ClinVar aggregate classification (germline): Pathogenic/Likely pathogenic. Review status: criteria provided, multiple submitters, no conflicts (2 of 4 stars). 12 submissions from 12 submitters: Pathogenic (2); Likely pathogenic (10). Last evaluated 2025-12-29.

Conditions:
SACS-related disorder. Also called: SACS-related condition.
Spastic paraplegia. Identifiers: MedGen C0037772, HP:0001258.
Hereditary spastic paraplegia. Also called: Familial spastic paraparesis. Identifiers: Orphanet 685, MedGen C0037773, MONDO:0019064. Disease mechanism: loss of function.
Charlevoix-Saguenay spastic ataxia (SACS). Also called: SPASTIC ATAXIA 6, AUTOSOMAL RECESSIVE; AUTOSOMAL RECESSIVE SPASTIC ATAXIA OF CHARLEVOIX-SAGUENAY; Spastic ataxia of Charlevoix-Saguenay. Identifiers: Orphanet 98, MedGen C1849140, MONDO:0010041, OMIM 270550.

Allele frequency attached by ClinVar (database versions not stated): ExAC 0.00001; gnomAD exomes 0.00001 and 0.00012; gnomAD 0.00006 and 0.00007; ESP Exome Variant Server 0.00008; TOPMed 0.00008.
gnomAD v4.1: 176 of 1,612,672 alleles (0.011%); highest among the groups gnomAD compares: Non-Finnish European, 0.014%; no homozygotes.

Submissions (12):

Labcorp Genetics (formerly Invitae), Labcorp
Classification: Pathogenic for Spastic paraplegia. Last evaluated: 2025-12-29. Review status: criteria provided, single submitter. Criteria: Invitae Variant Classification Sherloc (09022015). Collection method: clinical testing. Allele origin: germline.
Comment: This sequence change replaces leucine, which is neutral and non-polar, with serine, which is neutral and polar, at codon 3135 of the SACS protein (p.Leu3135Ser). This variant is present in population databases (rs371019314, gnomAD 0.003%). This missense change has been observed in individual(s) with autosomal recessive spastic ataxia of Charlevoix-Saguenay (PMID: 29538656; internal data). In at least one individual the data is consistent with being in trans (on the opposite chromosome) from a pathogenic variant. It has also been observed to segregate with disease in related individuals. ClinVar contains an entry for this variant (Variation ID: 411687). Invitae Evidence Modeling of protein sequence and biophysical properties (such as structural, functional, and spatial information, amino acid conservation, physicochemical variation, residue mobility, and thermodynamic stability) indicates that this missense variant is not expected to disrupt SACS protein function with a negative predictive value of 95%. For these reasons, this variant has been classified as Pathogenic.

PreventionGenetics, part of Exact Sciences
Classification: Likely pathogenic for SACS-related condition. Last evaluated: 2025-12-22. Review status: criteria provided, single submitter. Criteria: ACMG Guidelines, 2015. Collection method: clinical testing. Allele origin: germline.
Comment: The SACS c.9404T>C variant is predicted to result in the amino acid substitution p.Leu3135Ser. This variant has been reported in multiple individuals with spastic ataxia, Charlevoix-Saguenay type (Parkinson et al. 2018. PubMed ID: 29538656; Yeow et al. 2025. PubMed ID: 41353788). This variant is reported in 0.0031% of alleles in individuals of European (Non-Finnish) descent in gnomAD. This variant is interpreted as likely pathogenic or pathogenic in ClinVar (Variation ID: 411687). This variant is interpreted as likely pathogenic.

Natera, Inc.
Classification: Likely pathogenic for Charlevoix-Saguenay type spastic ataxia. Last evaluated: 2025-12-18. Review status: criteria provided, single submitter. Criteria: Natera Variant Classification Schema (03/2026). Collection method: clinical testing. Allele origin: germline.
Comment: The c.9404T>C variant in SACS is a missense variant predicted to cause substitution of leucine to serine at amino acid 3135. This variant is rare in the general population with a frequency below the threshold expected for the associated phenotype(s). This variant has been observed in one or more individuals affected with the associated recessive disease, as either homozygous or compound heterozygous with a second variant (PMID: 29538656). Additionally, this variant has been observed to segregate in affected family members (PMID: 29538656). Computational prediction algorithms indicate this variant is likely to affect gene or protein function. Given the available evidence, this variant is classified as Likely Pathogenic.

Genome Diagnostics Laboratory, The Hospital for Sick Children
Classification: Likely pathogenic for Hereditary spastic paraplegia. Last evaluated: 2025-05-07. Review status: criteria provided, single submitter. Criteria: ACMG Guidelines, 2015. Collection method: clinical testing. Allele origin: germline. Affected: yes.
Comment: This missense variant results in a change of leucine to serine at position 3135, and in silico programs predict this variant to be damaging. This variant was observed in a compound heterozygous state in individuals with spastic ataxia (PMID: 29538656). This variant is observed at an allele frequency of 0.011% in populations of the Genome Aggregation Database (gnomAD). Based on the evidence above, this variant is classified as likely pathogenic (ACMG criteria - PM2, PM3_S, PP5, PP3).

Mayo Clinic Laboratories, Mayo Clinic
Classification: Likely pathogenic. Last evaluated: 2025-02-17. Review status: criteria provided, single submitter. Criteria: ACMG Guidelines, 2015. Collection method: clinical testing. Allele origin: germline. Observed: 1 variant allele.
Comment: PP3_moderate, PM2_supporting, PM3, PS4_moderate

Blueprint Genetics
Classification: Pathogenic for SACS-related disorders. Last evaluated: 2024-08-26. Review status: criteria provided, single submitter. Criteria: ACMG Guidelines, 2015. Collection method: clinical testing. Allele origin: germline. Affected: yes. Observed: 5 variant alleles.

Fulgent Genetics
Classification: Likely pathogenic for Charlevoix-Saguenay spastic ataxia. Last evaluated: 2024-03-20. Review status: criteria provided, single submitter. Criteria: ACMG Guidelines, 2015. Collection method: clinical testing. Allele origin: germline.

Baylor Genetics
Classification: Likely pathogenic for Charlevoix-Saguenay spastic ataxia. Last evaluated: 2023-11-21. Review status: criteria provided, single submitter. Criteria: ACMG Guidelines, 2015. Collection method: clinical testing. Allele origin: unknown.

Women's Health and Genetics/Laboratory Corporation of America, LabCorp
Classification: Likely pathogenic for Charlevoix-Saguenay spastic ataxia. Last evaluated: 2023-05-12. Review status: criteria provided, single submitter. Criteria: LabCorp Variant Classification Summary - May 2015. Collection method: clinical testing. Allele origin: germline.
Comment: Variant summary: SACS c.9404T>C (p.Leu3135Ser) results in a non-conservative amino acid change in the encoded protein sequence. Five of five in-silico tools predict a damaging effect of the variant on protein function. The variant allele was found at a frequency of 1.2e-05 in 248822 control chromosomes (gnomAD). c.9404T>C has been reported in the literature in individuals affected with Autosomal Recessive Spastic Ataxia Of Charlevoix-Saguenay (Parkinson_2018). These data indicate that the variant is likely to be associated with disease. To our knowledge, no experimental evidence demonstrating an impact on protein function has been reported. The following publication has been ascertained in the context of this evaluation (PMID: 29538656). Four ClinVar submitters have assessed the variant since 2014: two classified the variant as uncertain significance, one as likely pathogenic, and one as pathogenic. Based on the evidence outlined above, the variant was classified as likely pathogenic.

Athena Diagnostics
Classification: Likely pathogenic. Last evaluated: 2022-10-10. Review status: criteria provided, single submitter. Criteria: Athena Diagnostics Criteria. Collection method: clinical testing. Allele origin: unknown.
Comment: The frequency of this variant in the general population is consistent with pathogenicity. In multiple individuals with clinical features associated with this gene, this variant has been seen with a single recessive pathogenic variant in the same gene, suggesting this variant may also be pathogenic. Computational tools predict that this variant is damaging.

PROSPAX: an integrated multimodal progression  chart in spastic ataxias, Center for Neurology; Hertie-Institute for Clinical Brain Research
Classification: Likely pathogenic for Charlevoix-Saguenay spastic ataxia. Last evaluated: 2022-01-01. Review status: criteria provided, single submitter. Criteria: ACMG Guidelines, 2015. Collection method: research. Allele origin: germline. Affected: yes. Observed: 1 variant allele, 1 compound heterozygote.

Genome-Nilou Lab
Classification: Likely pathogenic for Charlevoix-Saguenay spastic ataxia. Last evaluated: 2021-09-05. Review status: criteria provided, single submitter. Criteria: ACMG Guidelines, 2015. Collection method: clinical testing. Allele origin: germline. Affected: no.

Literature cited by the submitters: PubMed 29538656 (cited by 6 submitters); PubMed 27965395 (cited by Mayo Clinic Laboratories, Mayo Clinic and Athena Diagnostics); PubMed 23280630 (cited by Athena Diagnostics).

NM_014363.6(SACS):c.9404T>C (p.Leu3135Ser)

Gene: SACS (sacsin molecular chaperone; minus strand). Cytogenetic location: 13q12.12.
Variant type: single nucleotide variant.
Coding change: c.9404T>C on transcript NM_014363.6 (MANE Select); coding-DNA position 9404, T replaced by C.
Protein change: p.Leu3135Ser; replaces leucine 3135 with serine.
Molecular consequence: missense variant.
Genome position (GRCh38, 1-based): chr13:23,334,472, A>G on the plus strand (T>C on the coding strand, the complement: SACS is on the minus strand). VCF-style: chr13-23334472-A-G. GRCh37 (hg19) VCF-style: chr13-23908611-A-G.
Other names: p.Leu3135Ser; c.8963T>C, p.Leu2988Ser (NM_001278055.2); short protein forms L3135S, L2988S.
Identifiers: ClinVar variation 411687 (VCV000411687.26), dbSNP rs371019314, ClinGen allele CA6910624.